The following is an entry in ClinVar:

NM_005751.5(AKAP9):c.11633A>G (p.Asp3878Gly)

Gene: AKAP9 (A-kinase anchoring protein 9; plus strand). Cytogenetic location: 7q21.2.
Variant type: single nucleotide variant.
Coding change: c.11633A>G on transcript NM_005751.5 (MANE Select); coding-DNA position 11633, A replaced by G.
Protein change: p.Asp3878Gly; replaces aspartic acid 3878 with glycine.
Molecular consequence: missense variant.
Genome position (GRCh38, 1-based): chr7:92,108,580, A>G. VCF-style: chr7-92108580-A-G. GRCh37 (hg19) VCF-style: chr7-91737894-A-G.
Other names: c.6278A>G, p.Asp2093Gly (NM_001379277.1); c.11609A>G, p.Asp3870Gly (NM_147185.3); short protein forms D2093G, D3870G, D3878G.
Identifiers: ClinVar variation 3225010 (VCV003225010.2), dbSNP rs1425583842, ClinGen allele CA368165346.

ClinVar aggregate classification (germline): Uncertain significance. Review status: criteria provided, multiple submitters, no conflicts (2 of 4 stars). 2 submissions from 2 submitters: Uncertain significance (2). Last evaluated 2025-04-17.

Conditions:
Long QT syndrome (LQTS). Identifiers: MedGen C0023976, MeSH D008133, MONDO:0002442. Disease mechanism: loss of function. Inheritance: Various modes of inheritance.
Cardiovascular phenotype. Identifiers: MedGen CN230736.

Allele frequency attached by ClinVar (database versions not stated): TOPMed 0.00001; gnomAD exomes 0.00002.
gnomAD v4.1: 32 of 1,614,198 alleles (0.002%); highest among the groups gnomAD compares: Non-Finnish European, 0.0025%; no homozygotes.

Submissions (2):

Labcorp Genetics (formerly Invitae), Labcorp
Classification: Uncertain significance for Long QT syndrome. Last evaluated: 2025-04-17. Review status: criteria provided, single submitter. Criteria: Invitae Variant Classification Sherloc (09022015). Collection method: clinical testing. Allele origin: germline.
Comment: This sequence change replaces aspartic acid, which is acidic and polar, with glycine, which is neutral and non-polar, at codon 3878 of the AKAP9 protein (p.Asp3878Gly). This variant is not present in population databases (gnomAD no frequency). This variant has not been reported in the literature in individuals affected with AKAP9-related conditions. ClinVar contains an entry for this variant (Variation ID: 3225010). An algorithm developed to predict the effect of missense changes on protein structure and function (PolyPhen-2) suggests that this variant is likely to be disruptive. In summary, the available evidence is currently insufficient to determine the role of this variant in disease. Therefore, it has been classified as a Variant of Uncertain Significance.

Ambry Genetics
Classification: Uncertain significance for Cardiovascular phenotype. Last evaluated: 2023-12-29. Review status: criteria provided, single submitter. Criteria: Ambry Variant Classification Scheme 2023. Collection method: clinical testing. Allele origin: germline.
Comment: The p.D3878G variant (also known as c.11633A>G), located in coding exon 49 of the AKAP9 gene, results from an A to G substitution at nucleotide position 11633. The aspartic acid at codon 3878 is replaced by glycine, an amino acid with similar properties. This amino acid position is conserved. In addition, the in silico prediction for this alteration is inconclusive. Since supporting evidence is limited at this time, the clinical significance of this alteration remains unclear.